The following is an entry in ClinVar:

ClinVar aggregate classification (germline): Uncertain significance. Review status: criteria provided, multiple submitters, no conflicts (2 of 4 stars). 3 submissions from 3 submitters: Uncertain significance (3). Last evaluated 2025-09-25.

Conditions:
Familial thoracic aortic aneurysm and aortic dissection (TAAD). Also called: Thoracic aortic aneurysms and dissections. Identifiers: Orphanet 91387, MedGen C4707243, MONDO:0019625.

gnomAD v4.1: 1 of 1,614,088 alleles (0.000062%); highest among the groups gnomAD compares: Non-Finnish European, 0.000085%; no homozygotes.

Submissions (3):

Ambry Genetics
Classification: Uncertain significance for Familial thoracic aortic aneurysm and aortic dissection. Last evaluated: 2025-09-25. Review status: criteria provided, single submitter. Criteria: Ambry Variant Classification Scheme 2023. Collection method: clinical testing. Allele origin: germline.
Comment: The p.I1401M variant (also known as c.4203C>G), located in coding exon 30 of the MYH11 gene, results from a C to G substitution at nucleotide position 4203. The isoleucine at codon 1401 is replaced by methionine, an amino acid with highly similar properties. This amino acid position is conserved. In addition, this alteration is predicted to be tolerated by in silico analysis. Based on the available evidence, the clinical significance of this variant remains unclear.

GeneDx
Classification: Uncertain significance. Last evaluated: 2025-03-18. Review status: criteria provided, single submitter. Criteria: GeneDx Variant Classification Process June 2021. Collection method: clinical testing. Allele origin: germline. Affected: yes.
Comment: Not observed at significant frequency in large population cohorts (gnomAD); In silico analysis indicates that this missense variant does not alter protein structure/function; Has not been previously published as pathogenic or benign to our knowledge

Color Diagnostics, LLC DBA Color Health
Classification: Uncertain significance for Familial thoracic aortic aneurysm and aortic dissection. Last evaluated: 2024-03-06. Review status: criteria provided, single submitter. Criteria: ACMG Guidelines, 2015. Collection method: clinical testing. Allele origin: germline.
Comment: This missense variant replaces isoleucine with methionine at codon 1408 of the MYH11 protein. Computational prediction suggests that this variant may not impact protein structure and function (internally defined REVEL score threshold <= 0.5, PMID: 27666373). Splice site prediction tools suggest that this variant may not impact RNA splicing. To our knowledge, functional studies have not been performed for this variant. This variant has not been reported in individuals affected with cardiovascular disorders in the literature. This variant has not been identified in the general population by the Genome Aggregation Database (gnomAD). The available evidence is insufficient to determine the role of this variant in disease conclusively. Therefore, this variant is classified as a Variant of Uncertain Significance.

NM_002474.3(MYH11):c.4203C>G (p.Ile1401Met)

Genes: NDE1 (nudE neurodevelopment protein 1; plus strand), MYH11 (myosin heavy chain 11; minus strand). Cytogenetic location: 16p13.11.
Variant type: single nucleotide variant.
Coding change: c.4203C>G on transcript NM_002474.3 (MANE Select); coding-DNA position 4203, C replaced by G.
Protein change: p.Ile1401Met; replaces isoleucine 1401 with methionine.
Molecular consequence: missense variant. On other transcripts: 3 prime UTR variant (2).
Genome position (GRCh38, 1-based): chr16:15,724,323, G>C on the plus strand (C>G on the coding strand, the complement: MYH11 is on the minus strand). VCF-style: chr16-15724323-G-C. GRCh37 (hg19) VCF-style: chr16-15818180-G-C.
Other names: c.4224C>G, p.Ile1408Met (NM_001040113.2, NM_001040114.2); c.4203C>G, p.Ile1401Met (NM_022844.3); c.*72G>C (NM_001143979.2, NM_017668.3); c.4203C>G (NM_002474.2); short protein forms I1401M, I1408M.
Identifiers: ClinVar variation 924716 (VCV000924716.6), dbSNP rs760611400, ClinGen allele CA394857364.